The following is an entry in ClinVar:

ClinVar aggregate classification (germline): Conflicting classifications of pathogenicity. Review status: criteria provided, conflicting classifications (1 of 4 stars). 2 submissions from 2 submitters: Uncertain significance (1); Likely benign (1). Last evaluated 2025-02-16.

gnomAD v4.1: 5 of 1,613,432 alleles (0.00031%); highest among the groups gnomAD compares: Non-Finnish European, 0.00017%; no homozygotes.

Submissions (2):

Laboratory of Genetics, Children's Clinical University Hospital Latvia
Classification: Likely benign. Last evaluated: 2025-02-16. Review status: criteria provided, single submitter. Criteria: ACMG Guidelines, 2015. Collection method: clinical testing. Allele origin: germline. Affected: yes.

Labcorp Genetics (formerly Invitae), Labcorp
Classification: Uncertain significance. Last evaluated: 2024-11-24. Review status: criteria provided, single submitter. Criteria: Invitae Variant Classification Sherloc (09022015). Collection method: clinical testing. Allele origin: germline.
Comment: This sequence change replaces arginine, which is basic and polar, with glutamine, which is neutral and polar, at codon 1088 of the STAG1 protein (p.Arg1088Gln). This variant is present in population databases (rs139534751, gnomAD 0.004%). This variant has not been reported in the literature in individuals affected with STAG1-related conditions. Invitae Evidence Modeling of protein sequence and biophysical properties (such as structural, functional, and spatial information, amino acid conservation, physicochemical variation, residue mobility, and thermodynamic stability) indicates that this missense variant is not expected to disrupt STAG1 protein function with a negative predictive value of 95%. In summary, the available evidence is currently insufficient to determine the role of this variant in disease. Therefore, it has been classified as a Variant of Uncertain Significance.

NM_005862.3(STAG1):c.3263G>A (p.Arg1088Gln)

Gene: STAG1 (STAG1 cohesin complex component; minus strand). Cytogenetic location: 3q22.3.
Variant type: single nucleotide variant.
Coding change: c.3263G>A on transcript NM_005862.3 (MANE Select); coding-DNA position 3263, G replaced by A.
Protein change: p.Arg1088Gln; replaces arginine 1088 with glutamine.
Molecular consequence: missense variant.
Genome position (GRCh38, 1-based): chr3:136,349,166, C>T on the plus strand (G>A on the coding strand, the complement: STAG1 is on the minus strand). VCF-style: chr3-136349166-C-T. GRCh37 (hg19) VCF-style: chr3-136068008-C-T.
Other names: short protein forms R1088Q.
Identifiers: ClinVar variation 3688194 (VCV003688194.3).
Genomic context (GRCh38, chr3:136,349,166, plus strand): 5'-TATCTCTTTAAAACCAGGCAAATTGTTTCTTATAGTGTAAAGGCAGACTTACCTTCTACT[C>T]GTTTTTTATGAAGTGGAGGTCGTCCTTTCTTATTCCTTACTGATGAGGTTTTGCTGCTGC-3'
Protein context (NP_005853.2, residues 1078-1098): KKGRPPLHKK[Arg1088Gln]VEDESLDNTW